The following is an entry in ClinVar:

ClinVar aggregate classification (germline): Likely pathogenic. Review status: criteria provided, multiple submitters, no conflicts (2 of 4 stars). 2 submissions from 2 submitters: Likely pathogenic (2). Last evaluated 2026-01-25.

Allele frequency attached by ClinVar (database versions not stated): gnomAD exomes 0.00003 and 0.00008; gnomAD 0.00005; ExAC 0.00013; 1000 Genomes Project 30x 0.00016; 1000 Genomes Project 0.00020.
gnomAD v4.1: 45 of 1,587,854 alleles (0.0028%); highest among the groups gnomAD compares: South Asian, 0.049%; no homozygotes.

Submissions (2):

Labcorp Genetics (formerly Invitae), Labcorp
Classification: Likely pathogenic. Last evaluated: 2026-01-25. Review status: criteria provided, single submitter. Criteria: Invitae Variant Classification Sherloc (09022015). Collection method: clinical testing. Allele origin: germline.
Comment: This sequence change replaces isoleucine, which is neutral and non-polar, with asparagine, which is neutral and polar, at codon 415 of the PEPD protein (p.Ile415Asn). This variant is present in population databases (rs575962845, gnomAD 0.05%). This missense change has been observed in individuals with prolidase deficiency (PMID: 31041317, 34040193). ClinVar contains an entry for this variant (Variation ID: 1507015). Invitae Evidence Modeling of protein sequence and biophysical properties (such as structural, functional, and spatial information, amino acid conservation, physicochemical variation, residue mobility, and thermodynamic stability) indicates that this missense variant is expected to disrupt PEPD protein function with a positive predictive value of 95%. In summary, the currently available evidence indicates that the variant is pathogenic, but additional data are needed to prove that conclusively. Therefore, this variant has been classified as Likely Pathogenic.

GeneDx
Classification: Likely pathogenic. Last evaluated: 2023-11-30. Review status: criteria provided, single submitter. Criteria: GeneDx Variant Classification Process June 2021. Collection method: clinical testing. Allele origin: germline. Affected: yes.
Comment: In silico analysis supports that this missense variant has a deleterious effect on protein structure/function; This variant is associated with the following publications: (PMID: 31041317)

Literature cited by the submitters: PubMed 31041317 (cited by Labcorp Genetics (formerly Invitae), Labcorp); PubMed 34040193 (cited by Labcorp Genetics (formerly Invitae), Labcorp).

NM_000285.4(PEPD):c.1244T>A (p.Ile415Asn)

Gene: PEPD (peptidase D; minus strand). Cytogenetic location: 19q13.11.
Variant type: single nucleotide variant.
Coding change: c.1244T>A on transcript NM_000285.4 (MANE Select); coding-DNA position 1244, T replaced by A.
Protein change: p.Ile415Asn; replaces isoleucine 415 with asparagine.
Molecular consequence: missense variant.
Genome position (GRCh38, 1-based): chr19:33,387,990, A>T on the plus strand (T>A on the coding strand, the complement: PEPD is on the minus strand). VCF-style: chr19-33387990-A-T. GRCh37 (hg19) VCF-style: chr19-33878896-A-T.
Other names: c.1121T>A, p.Ile374Asn (NM_001166056.2); c.1052T>A, p.Ile351Asn (NM_001166057.2); c.1244T>A (NM_000285.3); short protein forms I351N, I374N, I415N.
Identifiers: ClinVar variation 1507015 (VCV001507015.5), dbSNP rs575962845, ClinGen allele CA9363952.